The following is an entry in ClinVar:

NM_012424.6(RPS6KC1):c.2275A>G (p.Lys759Glu)

Gene: RPS6KC1 (ribosomal protein S6 kinase C1; plus strand). Cytogenetic location: 1q32.3.
Variant type: single nucleotide variant.
Coding change: c.2275A>G on transcript NM_012424.6 (MANE Select); coding-DNA position 2275, A replaced by G.
Protein change: p.Lys759Glu; replaces lysine 759 with glutamic acid.
Molecular consequence: missense variant. On other transcripts: non-coding transcript variant (4).
Genome position (GRCh38, 1-based): chr1:213,241,751, A>G. VCF-style: chr1-213241751-A-G. GRCh37 (hg19) VCF-style: chr1-213415094-A-G.
Other names: c.1219A>G, p.Lys407Glu (NM_001349662.2, NM_001349659.2, NM_001349660.2 and 1 more transcripts); c.880A>G, p.Lys294Glu (NM_001349663.2, NM_001349664.2, NM_001349665.2 and 8 more transcripts); c.1732A>G, p.Lys578Glu (NM_001349651.2, NM_001349652.2, NM_001349653.2 and 4 more transcripts); c.1639A>G, p.Lys547Glu (NM_001349654.2, NM_001287218.3, NM_001287219.3); c.1384A>G, p.Lys462Glu (NM_001349657.2, NM_001349658.2); c.2239A>G, p.Lys747Glu (NM_001136138.4); c.2182A>G, p.Lys728Glu (NM_001349646.2); c.1912A>G, p.Lys638Glu (NM_001349647.2); short protein forms K294E, K407E, K462E, K547E, K578E, K638E, K728E, K747E.
Identifiers: ClinVar variation 1718693 (VCV001718693.5), dbSNP rs2547627711, ClinGen allele CA344891464.
Genomic context (GRCh38, chr1:213,241,751, plus strand): 5'-GAACAATGCCAAGCACATGAGGAGAAAGGCATAGAGGAACTGAGTGATCCCTCTGGGCCC[A>G]AATCCTATAGTATAACAGAGAAACACTATGCACAGGAGGATCCCAGGATGTTATTTGTAG-3'
Protein context (NP_036556.2, residues 749-769): IEELSDPSGP[Lys759Glu]SYSITEKHYA

ClinVar aggregate classification (germline): Uncertain significance (1 of 4 stars; one submission).

Submission:

Labcorp Genetics (formerly Invitae), Labcorp
Classification: Uncertain significance. Last evaluated: 2022-09-02. Review status: criteria provided, single submitter. Criteria: Invitae Variant Classification Sherloc (09022015). Collection method: clinical testing. Allele origin: germline.
Comment: In summary, the available evidence is currently insufficient to determine the role of this variant in disease. Therefore, it has been classified as a Variant of Uncertain Significance. Algorithms developed to predict the effect of missense changes on protein structure and function output the following: SIFT: "Tolerated"; PolyPhen-2: "Benign"; Align-GVGD: "Class C0". The glutamic acid amino acid residue is found in multiple mammalian species, which suggests that this missense change does not adversely affect protein function. This variant has not been reported in the literature in individuals affected with RPS6KC1-related conditions. This variant is not present in population databases (gnomAD no frequency). This sequence change replaces lysine, which is basic and polar, with glutamic acid, which is acidic and polar, at codon 759 of the RPS6KC1 protein (p.Lys759Glu).